The following is an entry in ClinVar:

NM_005477.3(HCN4):c.2653G>A (p.Gly885Arg)

Gene: HCN4 (hyperpolarization activated cyclic nucleotide gated potassium channel 4; minus strand). Cytogenetic location: 15q24.1.
Variant type: single nucleotide variant.
Coding change: c.2653G>A on transcript NM_005477.3 (MANE Select); coding-DNA position 2653, G replaced by A.
Protein change: p.Gly885Arg; replaces glycine 885 with arginine.
Molecular consequence: missense variant.
Genome position (GRCh38, 1-based): chr15:73,323,440, C>T on the plus strand (G>A on the coding strand, the complement: HCN4 is on the minus strand). VCF-style: chr15-73323440-C-T. GRCh37 (hg19) VCF-style: chr15-73615781-C-T.
Other names: short protein forms G885R.
Identifiers: ClinVar variation 948442 (VCV000948442.9), dbSNP rs757066783, ClinGen allele CA7648979.

ClinVar aggregate classification (germline): Conflicting classifications of pathogenicity. Review status: criteria provided, conflicting classifications (1 of 4 stars). 2 submissions from 2 submitters: Uncertain significance (1); Likely benign (1). Last evaluated 2025-01-01.

Conditions:
Brugada syndrome 8 (BRGDA8). Identifiers: Orphanet 130, MedGen C2751083, MONDO:0013148, OMIM 613123.

Allele frequency attached by ClinVar (database versions not stated): gnomAD 0.00001; gnomAD exomes 0.00001 and 0.00002; ExAC 0.00002; TOPMed 0.00002.
gnomAD v4.1: 20 of 1,608,024 alleles (0.0012%); highest among the groups gnomAD compares: South Asian, 0.0044%; no homozygotes.

Submissions (2):

Labcorp Genetics (formerly Invitae), Labcorp
Classification: Uncertain significance for Brugada syndrome 8. Last evaluated: 2025-01-01. Review status: criteria provided, single submitter. Criteria: Invitae Variant Classification Sherloc (09022015). Collection method: clinical testing. Allele origin: germline.
Comment: This sequence change replaces glycine, which is neutral and non-polar, with arginine, which is basic and polar, at codon 885 of the HCN4 protein (p.Gly885Arg). This variant is present in population databases (rs757066783, gnomAD 0.01%). This missense change has been observed in individual(s) with atrial fibrillation (PMID: 24607718). ClinVar contains an entry for this variant (Variation ID: 948442). Invitae Evidence Modeling of protein sequence and biophysical properties (such as structural, functional, and spatial information, amino acid conservation, physicochemical variation, residue mobility, and thermodynamic stability) indicates that this missense variant is not expected to disrupt HCN4 protein function with a negative predictive value of 95%. Experimental studies have shown that this missense change does not substantially affect HCN4 function (PMID: 24607718). In summary, the available evidence is currently insufficient to determine the role of this variant in disease. Therefore, it has been classified as a Variant of Uncertain Significance.

Blueprint Genetics
Classification: Likely benign. Last evaluated: 2022-12-09. Review status: criteria provided, single submitter. Criteria: ACMG Guidelines, 2015. Collection method: clinical testing. Allele origin: germline.

Literature cited by the submitters: PubMed 24607718 (cited by Labcorp Genetics (formerly Invitae), Labcorp).